The following is an entry in ClinVar:

ClinVar aggregate classification (germline): Likely benign. Review status: criteria provided, multiple submitters, no conflicts (2 of 4 stars). 7 submissions from 7 submitters: Likely benign (6). 1 of the submissions does not count toward it. Last evaluated 2026-07-01.

Conditions:
Hereditary cancer-predisposing syndrome. Also called: Neoplastic Syndromes, Hereditary; Tumor predisposition; Hereditary neoplastic syndrome; Hereditary Cancer Syndrome. Identifiers: Orphanet 140162, MedGen C0027672, MeSH D009386, MONDO:0015356.
Gorlin syndrome. Also called: Nevoid Basal Cell Carcinoma Syndrome; Basal cell nevus syndrome. Identifiers: Orphanet 377, MedGen C0004779, MONDO:0007187.
PTCH1-related disorder. Also called: PTCH1-related disorders; PTCH1-related condition.

Allele frequency attached by ClinVar (database versions not stated): gnomAD 0.00003; gnomAD exomes 0.00003 and 0.00004; TOPMed 0.00003; ExAC 0.00007; 1000 Genomes Project 30x 0.00016; 1000 Genomes Project 0.00020; ESP Exome Variant Server 0.00023.

Submissions (7):

CeGaT Center for Human Genetics Tuebingen
Classification: Likely benign. Last evaluated: 2026-07-01. Review status: criteria provided, single submitter. Criteria: CeGaT Center For Human Genetics Tuebingen Variant Classification Criteria Version 2. Collection method: clinical testing. Allele origin: germline. Affected: yes. Observed: 2 variant alleles.
Comment: PTCH1: BP4, BP7

Labcorp Genetics (formerly Invitae), Labcorp
Classification: Likely benign for Gorlin syndrome. Last evaluated: 2026-01-19. Review status: criteria provided, single submitter. Criteria: Invitae Variant Classification Sherloc (09022015). Collection method: clinical testing. Allele origin: germline.

Center for Genomic Medicine, Rigshospitalet, Copenhagen University Hospital
Classification: Likely benign. Last evaluated: 2025-12-29. Review status: criteria provided, single submitter. Criteria: ACMG Guidelines, 2015. Collection method: clinical testing. Allele origin: germline.

Blueprint Genetics
Classification: Likely benign. Last evaluated: 2023-11-28. Review status: criteria provided, single submitter. Criteria: ACMG Guidelines, 2015. Collection method: clinical testing. Allele origin: germline.

Sema4
Classification: Likely benign for Hereditary cancer-predisposing syndrome. Last evaluated: 2021-02-24. Review status: criteria provided, single submitter. Criteria: Sema4 Curation Guidelines. Collection method: curation. Allele origin: germline.

Ambry Genetics
Classification: Likely benign for Hereditary cancer-predisposing syndrome. Last evaluated: 2018-09-30. Review status: criteria provided, single submitter. Criteria: Ambry Variant Classification Scheme 2023. Collection method: clinical testing. Allele origin: germline.

PreventionGenetics, part of Exact Sciences
Classification: Likely benign for PTCH1-related condition. Last evaluated: 2024-02-26. Review status: no assertion criteria provided. Collection method: clinical testing. Allele origin: germline. Not counted in ClinVar's aggregate classification.
Comment: This variant is classified as likely benign based on ACMG/AMP sequence variant interpretation guidelines (Richards et al. 2015 PMID: 25741868, with internal and published modifications).

NM_000264.5(PTCH1):c.4251C>T (p.His1417=)

Gene: PTCH1 (patched 1; minus strand). Cytogenetic location: 9q22.32.
Variant type: single nucleotide variant.
Coding change: c.4251C>T on transcript NM_000264.5 (MANE Select); coding-DNA position 4251, C replaced by T.
Protein change: p.His1417=; no amino-acid change (histidine 1417 retained).
Molecular consequence: synonymous variant. On other transcripts: non-coding transcript variant (1).
Genome position (GRCh38, 1-based): chr9:95,447,005, G>A on the plus strand (C>T on the coding strand, the complement: PTCH1 is on the minus strand). VCF-style: chr9-95447005-G-A. GRCh37 (hg19) VCF-style: chr9-98209287-G-A.
Other names: c.4053C>T, p.His1351= (NM_001083602.3); c.4248C>T, p.His1416= (NM_001083603.3); c.3798C>T, p.His1266= (NM_001083604.3, NM_001083605.3, NM_001083606.3 and 1 more transcripts); c.4095C>T, p.His1365= (NM_001354918.2).
Identifiers: ClinVar variation 132735 (VCV000132735.44), dbSNP rs371960721, ClinGen allele CA332057.
Genomic context (GRCh38, chr9:95,447,005, plus strand): 5'-GCATTCCACGTCCTGCAGCTCAATGACTTCCACCTTCGAATCCCTCCTCTCACACCGGAC[G>A]TGGAAAGGCACGTGGGGGTCCTCAAACAGGCCGTGGTCAGTCTCAGGGTAGCCTGGGCAG-3'
Protein context (NP_000255.2, residues 1407-1427): GLFEDPHVPF[His1417=]VRCERRDSKV